The following is an entry in ClinVar:

ClinVar aggregate classification (germline): Pathogenic (1 of 4 stars; one submission).

Conditions:
EEM syndrome (EEMS). Identifiers: Orphanet 1897, MedGen C1857041, MONDO:0009155, OMIM 225280.

Submission:

3billion
Classification: Pathogenic for EEM syndrome. Last evaluated: 2024-06-14. Review status: criteria provided, single submitter. Criteria: ACMG Guidelines, 2015. Collection method: clinical testing. Allele origin: germline. Affected: yes.
Comment: The variant is not observed in the gnomAD v4.0.0 dataset. Predicted Consequence/Location: Canonical splice site: predicted to alter splicing and result in a loss or disruption of normal protein function. Multiple pathogenic loss-of-function variants are reported downstream of the variant. In silico tools predict the variant to alter splicing and produce an abnormal transcript [SpliceAI: 0.99 (spliceogenicity >=0.2, non-spliceogenicity <0.1)]. Therefore, this variant is classified as Pathogenic according to the recommendation of ACMG/AMP guideline.

NM_001793.6(CDH3):c.867+1G>A

Gene: CDH3 (cadherin 3; plus strand). Cytogenetic location: 16q22.1.
Variant type: single nucleotide variant.
Coding change: c.867+1G>A on transcript NM_001793.6 (MANE Select); the canonical splice donor site of the intron after coding-DNA position 867, G replaced by A.
Molecular consequence: splice donor variant.
Genome position (GRCh38, 1-based): chr16:68,679,975, G>A. VCF-style: chr16-68679975-G-A. GRCh37 (hg19) VCF-style: chr16-68713878-G-A.
Other names: c.702+1G>A (NM_001317196.2); c.867+1G>A (NM_001317195.3).
Identifiers: ClinVar variation 4292925 (VCV004292925.1).